The following is an entry in ClinVar:

NM_000535.7(PMS2):c.2226T>C (p.Asn742=)

Gene: PMS2 (PMS1 homolog 2, mismatch repair system component; minus strand). Cytogenetic location: 7p22.1.
Variant type: single nucleotide variant.
Coding change: c.2226T>C on transcript NM_000535.7 (MANE Select); coding-DNA position 2226, T replaced by C.
Protein change: p.Asn742=; no amino-acid change (asparagine 742 retained).
Molecular consequence: synonymous variant. On other transcripts: non-coding transcript variant (1).
Genome position (GRCh38, 1-based): chr7:5,978,645, A>G on the plus strand (T>C on the coding strand, the complement: PMS2 is on the minus strand). VCF-style: chr7-5978645-A-G. GRCh37 (hg19) VCF-style: chr7-6018276-A-G.
Other names: c.1821T>C, p.Asn607= (NM_001322003.2, NM_001322004.2, NM_001322005.2 and 1 more transcripts); c.2070T>C, p.Asn690= (NM_001322006.2); c.1908T>C, p.Asn636= (NM_001322007.2, NM_001322008.2); c.1665T>C, p.Asn555= (NM_001322010.2); c.1293T>C, p.Asn431= (NM_001322011.2, NM_001322012.2); c.1653T>C, p.Asn551= (NM_001322013.2); c.2226T>C, p.Asn742= (NM_001322014.2); c.1917T>C, p.Asn639= (NM_001322015.2).
Identifiers: ClinVar variation 186183 (VCV000186183.6), dbSNP rs786202755, ClinGen allele CA011090.

ClinVar aggregate classification (germline): Benign/Likely benign. Review status: criteria provided, multiple submitters, no conflicts (2 of 4 stars). 2 submissions from 2 submitters: Benign (1); Likely benign (1). Last evaluated 2025-02-03.

Conditions:
Hereditary cancer-predisposing syndrome. Also called: Hereditary neoplastic syndrome; Neoplastic Syndromes, Hereditary; Tumor predisposition; Hereditary Cancer Syndrome. Identifiers: Orphanet 140162, MedGen C0027672, MeSH D009386, MONDO:0015356.
Lynch syndrome 4 (LYNCH4). Also called: Hereditary non-polyposis colorectal cancer, type 4; Colorectal cancer, hereditary nonpolyposis, type 4. Identifiers: Orphanet 144, MedGen C1838333, MONDO:0013699, OMIM 614337. Disease mechanism: loss of function.

Submissions (2):

Myriad Genetics, Inc.
Classification: Benign for Lynch syndrome 4. Last evaluated: 2025-02-03. Review status: criteria provided, single submitter. Criteria: Myriad Autosomal Dominant, Autosomal Recessive and X-Linked Classification Criteria (2023). Collection method: clinical testing. Allele origin: unknown.
Comment: This variant is considered benign. This variant is a silent/synonymous amino acid change and it is not expected to impact splicing.

Ambry Genetics
Classification: Likely benign for Hereditary cancer-predisposing syndrome. Last evaluated: 2014-08-18. Review status: criteria provided, single submitter. Criteria: Ambry Variant Classification Scheme 2023. Collection method: clinical testing. Allele origin: germline.